The following is an entry in ClinVar:

ClinVar aggregate classification (germline): Pathogenic (1 of 4 stars; one submission).

Conditions:
Primary ciliary dyskinesia. Also called: Ciliary dyskinesia. Identifiers: Orphanet 244, MedGen C0008780, MONDO:0016575, HP:0012265.

Allele frequency attached by ClinVar (database versions not stated): TOPMed below 0.00001; gnomAD 0.00001; gnomAD exomes 0.00001; ExAC 0.00002.

Submission:

Labcorp Genetics (formerly Invitae), Labcorp
Classification: Pathogenic for Primary ciliary dyskinesia. Last evaluated: 2025-07-29. Review status: criteria provided, single submitter. Criteria: Invitae Variant Classification Sherloc (09022015). Collection method: clinical testing. Allele origin: germline.
Comment: This sequence change creates a premature translational stop signal (p.Arg2760*) in the DNAH8 gene. It is expected to result in an absent or disrupted protein product. Loss-of-function variants in DNAH8 are known to be pathogenic (PMID: 24307375, 32619401, 32681648). This variant is present in population databases (rs776257226, gnomAD 0.009%). This variant has not been reported in the literature in individuals affected with DNAH8-related conditions. ClinVar contains an entry for this variant (Variation ID: 2898669). Algorithms developed to predict the effect of sequence changes on RNA splicing suggest that this variant may disrupt the consensus splice site. For these reasons, this variant has been classified as Pathogenic.

Literature cited by the submitters: PubMed 24307375; PubMed 32619401; PubMed 32681648.

NM_001206927.2(DNAH8):c.8278C>T (p.Arg2760Ter)

Gene: DNAH8 (dynein axonemal heavy chain 8; plus strand). Cytogenetic location: 6p21.2.
Variant type: single nucleotide variant.
Coding change: c.8278C>T on transcript NM_001206927.2 (MANE Select); coding-DNA position 8278, C replaced by T.
Protein change: p.Arg2760Ter; replaces arginine 2760 with a stop codon.
Molecular consequence: nonsense.
Genome position (GRCh38, 1-based): chr6:38,886,809, C>T. VCF-style: chr6-38886809-C-T. GRCh37 (hg19) VCF-style: chr6-38854585-C-T.
Other names: c.7627C>T, p.Arg2543Ter (NM_001371.4); short protein forms R2760*, R2543*.
Identifiers: ClinVar variation 2898669 (VCV002898669.3), dbSNP rs776257226, ClinGen allele CA3790155.